The following is an entry in ClinVar:

NM_002907.4(RECQL):c.151G>A (p.Glu51Lys)

Gene: RECQL (RecQ like helicase; minus strand). Cytogenetic location: 12p12.1.
Variant type: single nucleotide variant.
Coding change: c.151G>A on transcript NM_002907.4 (MANE Select); coding-DNA position 151, G replaced by A.
Protein change: p.Glu51Lys; replaces glutamic acid 51 with lysine.
Molecular consequence: missense variant.
Genome position (GRCh38, 1-based): chr12:21,491,582, C>T on the plus strand (G>A on the coding strand, the complement: RECQL is on the minus strand). VCF-style: chr12-21491582-C-T. GRCh37 (hg19) VCF-style: chr12-21644516-C-T.
Other names: c.151G>A, p.Glu51Lys (NM_032941.3); short protein forms E51K.
Identifiers: ClinVar variation 1919192 (VCV001919192.5), dbSNP rs774368337, ClinGen allele CA6479192.

ClinVar aggregate classification (germline): Uncertain significance (1 of 4 stars; one submission).

Allele frequency attached by ClinVar (database versions not stated): gnomAD exomes 0.00001; ExAC 0.00002.
gnomAD v4.1: 4 of 1,612,510 alleles (0.00025%); highest among the groups gnomAD compares: South Asian, 0.0033%; no homozygotes.

Submission:

Labcorp Genetics (formerly Invitae), Labcorp
Classification: Uncertain significance. Last evaluated: 2022-06-27. Review status: criteria provided, single submitter. Criteria: Invitae Variant Classification Sherloc (09022015). Collection method: clinical testing. Allele origin: germline.
Comment: This sequence change replaces glutamic acid, which is acidic and polar, with lysine, which is basic and polar, at codon 51 of the RECQL protein (p.Glu51Lys). This variant is present in population databases (rs774368337, gnomAD 0.01%). This variant has not been reported in the literature in individuals affected with RECQL-related conditions. In summary, the available evidence is currently insufficient to determine the role of this variant in disease. Therefore, it has been classified as a Variant of Uncertain Significance. Algorithms developed to predict the effect of missense changes on protein structure and function (SIFT, PolyPhen-2, Align-GVGD) all suggest that this variant is likely to be tolerated.